The following is an entry in ClinVar:

NM_000038.6(APC):c.6818G>A (p.Gly2273Glu)

Gene: APC (APC regulator of Wnt signaling pathway; plus strand). Cytogenetic location: 5q22.2.
Variant type: single nucleotide variant.
Coding change: c.6818G>A on transcript NM_000038.6 (MANE Select); coding-DNA position 6818, G replaced by A.
Protein change: p.Gly2273Glu; replaces glycine 2273 with glutamic acid.
Molecular consequence: missense variant.
Genome position (GRCh38, 1-based): chr5:112,842,412, G>A. VCF-style: chr5-112842412-G-A. GRCh37 (hg19) VCF-style: chr5-112178109-G-A.
Other names: c.6818G>A, p.Gly2273Glu (NM_001127510.3, NM_001354895.2); c.6764G>A, p.Gly2255Glu (NM_001127511.3); c.6872G>A, p.Gly2291Glu (NM_001354896.2); c.6848G>A, p.Gly2283Glu (NM_001354897.2); c.6743G>A, p.Gly2248Glu (NM_001354898.2); c.6734G>A, p.Gly2245Glu (NM_001354899.2); c.6695G>A, p.Gly2232Glu (NM_001354900.2); c.6641G>A, p.Gly2214Glu (NM_001354901.2); and 5 more; short protein forms G2255E, G2273E, G2248E, G2283E, G2291E, G1990E, G2113E, G2172E.
Identifiers: ClinVar variation 216175 (VCV000216175.12), dbSNP rs587781364, ClinGen allele CA337840.
Genomic context (GRCh38, chr5:112,842,412, plus strand): 5'-TTAAGACTCCAGCCTCCAAAAGCCCTAGTGAAGGTCAAACAGCCACCACTTCTCCTAGAG[G>A]AGCCAAGCCATCTGTGAAATCAGAATTAAGCCCTGTTGCCAGGCAGACATCCCAAATAGG-3'
Protein context (NP_000029.2, residues 2263-2283): EGQTATTSPR[Gly2273Glu]AKPSVKSELS

ClinVar aggregate classification (germline): Uncertain significance. Review status: criteria provided, multiple submitters, no conflicts (2 of 4 stars). 2 submissions from 2 submitters: Uncertain significance (2). Last evaluated 2025-08-07.

Conditions:
Hereditary cancer-predisposing syndrome. Also called: Hereditary Cancer Syndrome; Hereditary neoplastic syndrome; Neoplastic Syndromes, Hereditary; Tumor predisposition. Identifiers: Orphanet 140162, MedGen C0027672, MeSH D009386, MONDO:0015356.
Familial adenomatous polyposis 1 (FAP1). Also called: FAMILIAL ADENOMATOUS POLYPOSIS 1, ATTENUATED; POLYPOSIS, ADENOMATOUS INTESTINAL. Identifiers: MedGen C2713442, MONDO:0021056, OMIM 175100. Disease mechanism: loss of function.

gnomAD v4.1: 1 of 1,614,030 alleles (0.000062%); highest among the groups gnomAD compares: Non-Finnish European, 0.000085%; no homozygotes.

Submissions (2):

Labcorp Genetics (formerly Invitae), Labcorp
Classification: Uncertain significance for Familial adenomatous polyposis 1. Last evaluated: 2025-08-07. Review status: criteria provided, single submitter. Criteria: Invitae Variant Classification Sherloc (09022015). Collection method: clinical testing. Allele origin: germline.
Comment: This sequence change replaces glycine, which is neutral and non-polar, with glutamic acid, which is acidic and polar, at codon 2273 of the APC protein (p.Gly2273Glu). This variant is not present in population databases (gnomAD no frequency). This variant has not been reported in the literature in individuals affected with APC-related conditions. ClinVar contains an entry for this variant (Variation ID: 216175). Invitae Evidence Modeling of protein sequence and biophysical properties (such as structural, functional, and spatial information, amino acid conservation, physicochemical variation, residue mobility, and thermodynamic stability) indicates that this missense variant is not expected to disrupt APC protein function with a negative predictive value of 95%. In summary, the available evidence is currently insufficient to determine the role of this variant in disease. Therefore, it has been classified as a Variant of Uncertain Significance.

Ambry Genetics
Classification: Uncertain significance for Hereditary cancer-predisposing syndrome. Last evaluated: 2025-04-21. Review status: criteria provided, single submitter. Criteria: Ambry Variant Classification Scheme 2023. Collection method: clinical testing. Allele origin: germline.
Comment: The p.G2273E variant (also known as c.6818G>A), located in coding exon 15 of the APC gene, results from a G to A substitution at nucleotide position 6818. The glycine at codon 2273 is replaced by glutamic acid, an amino acid with similar properties. This amino acid position is well conserved in available vertebrate species. In addition, in silico predictors for this gene do not accurately predict pathogenicity. Missense alterations in APC are not a common cause of disease (Spier I et al. Genet Med. 2024 Feb;26(2):100992). Based on the available evidence, the clinical significance of this variant remains unclear.